The following is an entry in ClinVar:

ClinVar aggregate classification (germline): Uncertain significance. Review status: criteria provided, multiple submitters, no conflicts (2 of 4 stars). 4 submissions from 4 submitters: Uncertain significance (4). Last evaluated 2023-04-11.

Conditions:
Microcephaly 5, primary, autosomal recessive (MCPH5). Also called: ASPM Primary Microcephaly. Identifiers: Orphanet 2512, MedGen C1837501, MONDO:0012106, OMIM 608716.

Allele frequency attached by ClinVar (database versions not stated): TOPMed 0.00001; gnomAD 0.00002.
gnomAD v4.1: 40 of 1,605,778 alleles (0.0025%); highest among the groups gnomAD compares: Non-Finnish European, 0.0032%; no homozygotes.

Submissions (4):

Genome-Nilou Lab
Classification: Uncertain significance for Microcephaly 5, primary, autosomal recessive. Last evaluated: 2023-04-11. Review status: criteria provided, single submitter. Criteria: ACMG Guidelines, 2015. Collection method: clinical testing. Allele origin: germline. Affected: no.

Labcorp Genetics (formerly Invitae), Labcorp
Classification: Uncertain significance. Last evaluated: 2021-10-24. Review status: criteria provided, single submitter. Criteria: Invitae Variant Classification Sherloc (09022015). Collection method: clinical testing. Allele origin: germline.
Comment: In summary, the available evidence is currently insufficient to determine the role of this variant in disease. Therefore, it has been classified as a Variant of Uncertain Significance. Algorithms developed to predict the effect of sequence changes on RNA splicing suggest that this variant may disrupt the consensus splice site. ClinVar contains an entry for this variant (Variation ID: 234802). Algorithms developed to predict the effect of missense changes on protein structure and function output the following: SIFT: "Tolerated"; PolyPhen-2: "Benign"; Align-GVGD: "Class C0". The serine amino acid residue is found in multiple mammalian species, which suggests that this missense change does not adversely affect protein function. This sequence change replaces alanine with serine at codon 921 of the ASPM protein (p.Ala921Ser). The alanine residue is moderately conserved and there is a moderate physicochemical difference between alanine and serine. This variant is not present in population databases (ExAC no frequency). This variant has not been reported in the literature in individuals affected with ASPM-related conditions.

GeneDx
Classification: Uncertain significance. Last evaluated: 2019-07-25. Review status: criteria provided, single submitter. Criteria: GeneDx Variant Classification Process June 2021. Collection method: clinical testing. Allele origin: germline. Affected: yes.
Comment: Not observed at a significant frequency in large population cohorts (Lek et al., 2016); In silico analysis, which includes protein predictors and evolutionary conservation, supports that this variant does not alter protein structure/function; Has not been previously published as pathogenic or benign to our knowledge; In-silico analysis, which includes splice predictors and evolutionary conservation, is inconclusive as to whether the variant alters gene splicing. In the absence of RNA/functional studies, the actual effect of this sequence change is unknown.

Fulgent Genetics
Classification: Uncertain significance for Microcephaly 5, primary, autosomal recessive. Last evaluated: 2018-10-31. Review status: criteria provided, single submitter. Criteria: ACMG Guidelines, 2015. Collection method: clinical testing. Allele origin: unknown.

NM_018136.5(ASPM):c.2761G>T (p.Ala921Ser)

Gene: ASPM (assembly factor for spindle microtubules; minus strand). Cytogenetic location: 1q31.3.
Variant type: single nucleotide variant.
Coding change: c.2761G>T on transcript NM_018136.5 (MANE Select); coding-DNA position 2761, G replaced by T.
Protein change: p.Ala921Ser; replaces alanine 921 with serine.
Molecular consequence: missense variant.
Genome position (GRCh38, 1-based): chr1:197,128,665, C>A on the plus strand (G>T on the coding strand, the complement: ASPM is on the minus strand). VCF-style: chr1-197128665-C-A. GRCh37 (hg19) VCF-style: chr1-197097795-C-A.
Other names: c.2761G>T, p.Ala921Ser (NM_001206846.2); short protein forms A921S.
Identifiers: ClinVar variation 234802 (VCV000234802.10), dbSNP rs765798033, ClinGen allele CA10577224.